The following is an entry in ClinVar:

ClinVar aggregate classification (germline): Benign (1 of 4 stars; one submission).

Allele frequency attached by ClinVar (database versions not stated): 1000 Genomes Project 30x 0.00047; 1000 Genomes Project 0.00060; TOPMed 0.00084.
gnomAD v4.1: 269 of 1,582,804 alleles (0.017%); highest among the groups gnomAD compares: African/African-American, 0.33%; 1 homozygote.

Submission:

GeneDx
Classification: Benign. Last evaluated: 2015-07-08. Review status: criteria provided, single submitter. Criteria: GeneDx Variant Classification (06012015). Collection method: clinical testing. Allele origin: germline. Affected: yes.
Comment: This variant is considered likely benign or benign based on one or more of the following criteria: it is a conservative change, it occurs at a poorly conserved position in the protein, it is predicted to be benign by multiple in silico algorithms, and/or has population frequency not consistent with disease.

NM_005506.4(SCARB2):c.-27C>G

Gene: SCARB2 (scavenger receptor class B member 2; minus strand). Cytogenetic location: 4q21.1.
Variant type: single nucleotide variant.
Coding change: c.-27C>G on transcript NM_005506.4 (MANE Select); 27 bases upstream of the start codon, C replaced by G.
Molecular consequence: 5 prime UTR variant.
Genome position (GRCh38, 1-based): chr4:76,213,570, G>C on the plus strand (C>G on the coding strand, the complement: SCARB2 is on the minus strand). VCF-style: chr4-76213570-G-C. GRCh37 (hg19) VCF-style: chr4-77134723-G-C.
Other names: c.-27C>G (NM_001204255.2).
Identifiers: ClinVar variation 378500 (VCV000378500.1), dbSNP rs553389773, ClinGen allele CA2970451.
Genomic context (GRCh38, chr4:76,213,570, plus strand): 5'-ACGTCCCCGCCGTGTAGAAGCAGCATCGGCCCATTCTGTGCGCCGCTCACGGGCCGGGCC[G>C]GGCCGCACCCGCCAGGGATCCAACTGCAAGGAGGGAGGAGCCGCCGCAGAGGCGTCGAAG-3'